The following is an entry in ClinVar:

NM_000059.4(BRCA2):c.9347C>G (p.Pro3116Arg)

Gene: BRCA2 (BRCA2 DNA repair associated; plus strand). Cytogenetic location: 13q13.1.
Variant type: single nucleotide variant.
Coding change: c.9347C>G on transcript NM_000059.4 (MANE Select); coding-DNA position 9347, C replaced by G.
Protein change: p.Pro3116Arg; replaces proline 3116 with arginine.
Molecular consequence: missense variant.
Genome position (GRCh38, 1-based): chr13:32,394,779, C>G. VCF-style: chr13-32394779-C-G. GRCh37 (hg19) VCF-style: chr13-32968916-C-G.
Other names: short protein forms P3116R.
Identifiers: ClinVar variation 1009962 (VCV001009962.13), dbSNP rs1220080934, ClinGen allele CA387761077.

ClinVar aggregate classification (germline): Uncertain significance. Review status: criteria provided, multiple submitters, no conflicts (2 of 4 stars). 3 submissions from 3 submitters: Uncertain significance (3). Last evaluated 2025-03-27.

Conditions:
Hereditary breast ovarian cancer syndrome. Also called: BRCA1- and BRCA2-Associated Hereditary Breast and Ovarian Cancer; Hereditary breast and ovarian cancer; Hereditary breast and ovarian cancer syndrome; Breast and ovarian cancer; Hereditary breast and/or ovarian cancer syndrome; Hereditary breast and ovarian cancer syndrome (HBOC). Identifiers: Orphanet 145, MedGen C0677776, MeSH D061325, MONDO:0003582. Disease mechanism: loss of function.
Hereditary cancer-predisposing syndrome. Also called: Tumor predisposition; Hereditary neoplastic syndrome; Neoplastic Syndromes, Hereditary; Hereditary Cancer Syndrome. Identifiers: Orphanet 140162, MedGen C0027672, MeSH D009386, MONDO:0015356.

Allele frequency attached by ClinVar (database versions not stated): TOPMed 0.00001.

Submissions (3):

Labcorp Genetics (formerly Invitae), Labcorp
Classification: Uncertain significance for Hereditary breast ovarian cancer syndrome. Last evaluated: 2025-03-27. Review status: criteria provided, single submitter. Criteria: Invitae Variant Classification Sherloc (09022015). Collection method: clinical testing. Allele origin: germline.
Comment: This sequence change replaces proline, which is neutral and non-polar, with arginine, which is basic and polar, at codon 3116 of the BRCA2 protein (p.Pro3116Arg). This variant is not present in population databases (gnomAD no frequency). This variant has not been reported in the literature in individuals affected with BRCA2-related conditions. ClinVar contains an entry for this variant (Variation ID: 1009962). Invitae Evidence Modeling of protein sequence and biophysical properties (such as structural, functional, and spatial information, amino acid conservation, physicochemical variation, residue mobility, and thermodynamic stability) indicates that this missense variant is not expected to disrupt BRCA2 protein function with a negative predictive value of 95%. In summary, the available evidence is currently insufficient to determine the role of this variant in disease. Therefore, it has been classified as a Variant of Uncertain Significance.

Ambry Genetics
Classification: Uncertain significance for Hereditary cancer-predisposing syndrome. Last evaluated: 2024-12-04. Review status: criteria provided, single submitter. Criteria: Ambry Variant Classification Scheme 2023. Collection method: clinical testing. Allele origin: germline.
Comment: The p.P3116R variant (also known as c.9347C>G), located in coding exon 24 of the BRCA2 gene, results from a C to G substitution at nucleotide position 9347. The proline at codon 3116 is replaced by arginine, an amino acid with dissimilar properties. This amino acid position is conserved. In addition, the in silico prediction for this alteration is inconclusive. Based on the available evidence, the clinical significance of this variant remains unclear.

Women's Health and Genetics/Laboratory Corporation of America, LabCorp
Classification: Uncertain significance. Last evaluated: 2022-12-02. Review status: criteria provided, single submitter. Criteria: LabCorp Variant Classification Summary - May 2015. Collection method: clinical testing. Allele origin: germline.